The following is an entry in ClinVar:

ClinVar aggregate classification (germline): Pathogenic. Review status: criteria provided, multiple submitters, no conflicts (2 of 4 stars). 2 submissions from 2 submitters: Pathogenic (2). Last evaluated 2023-09-06.

Conditions:
Vascular malformation. Also called: Vascular malformations. Identifiers: MedGen C0158570, MONDO:0024291.

Submissions (2):

Clinical Genomics Laboratory, Washington University in St. Louis
Classification: Pathogenic for Vascular malformation. Last evaluated: 2023-09-06. Review status: criteria provided, single submitter. Criteria: ACMG Guidelines, 2015. Collection method: clinical testing. Allele origin: somatic. Affected: yes.
Comment: The TEK c.2689T>C (p.Tyr897His) variant was identified at an allelic fraction consistent with somatic origin. This variant has been reported in numerous individuals with venous malformations and Blue Rubber Bleb Nevus Syndrome (Ten Broek RW et al., PMID: 30677207; Limaye N et al., PMID: 26637981; Ye C et al., PMID: 21962923; Limaye N et al., PMID: 19079259; Soblet J et al., PMID: 27519652). This variant has been reported in the ClinVar database as a somatic pathogenic variant by one submitter (ClinVar ID: 1691346). This variant is absent from the general population (gnomAD v.3.1.2), indicating it is not a common variant. Another variant in the same codon, c. 2690A>G (p.Tyr897Cys), has been reported in multiple individuals affected with venous malformations and is considered pathogenic (Ten Broek RW et al., PMID: 30677207; Limaye N et al., PMID: 26637981; Ye C et al., PMID: 21962923; Limaye N et al., PMID: 19079259; Soblet J et al., PMID: 27519652; Soblet J et al.; PMID: 23801934; Paolacci S et al., PMID: 33105631; ClinVar Variation ID: 30053). The TEK c.2689T>C (p.Tyr897His) variant resides within a catalytic domain of TEK (Shewchuk LM et al., PMID: 11080633). Functional studies show that TEK c.2689T>C (p.Tyr897His) variant reduces TIE2 function as a cell membrane receptor that results in aberrant downstream signaling, an effect that is compounded in the presence of double variants (Limaye N et al., PMID: 19079259, N√§tynki M et al., PMID: 26319232). Computational predictors indicate that the variant is damaging, evidence that correlates with impact on TEK function. Based on an internally-developed protocol informed by the ACMG/AMP guidelines (Richards S et al., PMID: 25741868) and gene-specific practices from the ClinGen Criteria Specification Registry, the TEK c.2689T>C (p.Tyr897His) variant is classified as pathogenic.

Seattle Children's Hospital Molecular Genetics Laboratory, Seattle Children's Hospital
Classification: Pathogenic. Last evaluated: 2020-12-15. Review status: criteria provided, single submitter. Criteria: ACMG Guidelines, 2015. Collection method: clinical testing. Allele origin: somatic. Affected: yes.
Comment: The p.Tyr897Asn substitution has been reported as a somatic change in several individuals with blue rubber bleb nevus syndrome, both by itself (participant #12 in PMID: 27519652) and with a 2nd TEK substitution (PMID: 27519652).

NM_000459.5(TEK):c.2689T>C (p.Tyr897His)

Gene: TEK (TEK receptor tyrosine kinase; plus strand). Cytogenetic location: 9p21.2.
Variant type: single nucleotide variant.
Coding change: c.2689T>C on transcript NM_000459.5 (MANE Select); coding-DNA position 2689, T replaced by C.
Protein change: p.Tyr897His; replaces tyrosine 897 with histidine.
Molecular consequence: missense variant.
Genome position (GRCh38, 1-based): chr9:27,212,709, T>C. VCF-style: chr9-27212709-T-C. GRCh37 (hg19) VCF-style: chr9-27212707-T-C.
Other names: c.2560T>C, p.Tyr854His (NM_001290077.2); c.2245T>C, p.Tyr749His (NM_001290078.2); c.2686T>C, p.Tyr896His (NM_001375475.1); c.2557T>C, p.Tyr853His (NM_001375476.1); short protein forms Y749H, Y853H, Y854H, Y896H, Y897H.
Identifiers: ClinVar variation 1691346 (VCV001691346.3), dbSNP rs2131227936, ClinGen allele CA373122671.